The following is an entry in ClinVar:

NM_015102.5(NPHP4):c.714G>A (p.Thr238=)

Gene: NPHP4 (nephrocystin 4; minus strand). Cytogenetic location: 1p36.31.
Variant type: single nucleotide variant.
Coding change: c.714G>A on transcript NM_015102.5 (MANE Select); coding-DNA position 714, G replaced by A.
Protein change: p.Thr238=; no amino-acid change (threonine 238 retained).
Molecular consequence: synonymous variant. On other transcripts: 5 prime UTR variant (1), non-coding transcript variant (1), intron variant (1).
Genome position (GRCh38, 1-based): chr1:5,952,796, C>T on the plus strand (G>A on the coding strand, the complement: NPHP4 is on the minus strand). VCF-style: chr1-5952796-C-T. GRCh37 (hg19) VCF-style: chr1-6012856-C-T.
Other names: c.-653G>A (NM_001291594.2); c.-556-4545G>A (NM_001291593.2); c.714G>A (NM_015102.4).
Identifiers: ClinVar variation 1547854 (VCV001547854.9), dbSNP rs1011986078, ClinGen allele CA17161284.

ClinVar aggregate classification (germline): Likely benign. Review status: criteria provided, multiple submitters, no conflicts (2 of 4 stars). 2 submissions from 2 submitters: Likely benign (2). Last evaluated 2025-04-28.

Conditions:
Nephronophthisis. Also called: Juvenile Nephronophthisis. Identifiers: Orphanet 655, MedGen C0687120, MONDO:0019005, HP:0000090.
NPHP4-related disorder. Also called: NPHP4-related condition; NPHP4-related disorders. Identifiers: MedGen CN239384.

gnomAD v4.1: 5 of 1,596,628 alleles (0.00031%); highest among the groups gnomAD compares: Non-Finnish European, 0.00043%; no homozygotes.

Submissions (2):

PreventionGenetics, part of Exact Sciences
Classification: Likely benign for NPHP4-related condition. Last evaluated: 2025-04-28. Review status: criteria provided, single submitter. Criteria: ACMG Guidelines, 2015. Collection method: clinical testing. Allele origin: germline.
Comment: This variant is classified as likely benign based on ACMG/AMP sequence variant interpretation guidelines (Richards et al. 2015 PMID: 25741868, with internal and published modifications).

Labcorp Genetics (formerly Invitae), Labcorp
Classification: Likely benign for Nephronophthisis. Last evaluated: 2024-12-02. Review status: criteria provided, single submitter. Criteria: Invitae Variant Classification Sherloc (09022015). Collection method: clinical testing. Allele origin: germline.